The following is an entry in ClinVar:

ClinVar aggregate classification (germline): Uncertain significance (1 of 4 stars; one submission).

Conditions:
Long QT syndrome (LQTS). Identifiers: MedGen C0023976, MeSH D008133, MONDO:0002442. Disease mechanism: loss of function. Inheritance: Various modes of inheritance.

Allele frequency attached by ClinVar (database versions not stated): gnomAD exomes below 0.00001; ExAC 0.00001.

Submissions (2):

Labcorp Genetics (formerly Invitae), Labcorp
Classification: Uncertain significance for Long QT syndrome. Last evaluated: 2020-04-07. Review status: criteria provided, single submitter. Criteria: Invitae Variant Classification Sherloc (09022015). Collection method: clinical testing. Allele origin: germline.
Comment: This variant is present in population databases (rs755452452, ExAC 0.002%). In summary, the available evidence is currently insufficient to determine the role of this variant in disease. Therefore, it has been classified as a Variant of Uncertain Significance. Algorithms developed to predict the effect of missense changes on protein structure and function output the following: SIFT: "Tolerated"; PolyPhen-2: "Benign"; Align-GVGD: "Class C0". The valine amino acid residue is found in multiple mammalian species, suggesting that this missense change does not adversely affect protein function. These predictions have not been confirmed by published functional studies and their clinical significance is uncertain. This variant has not been reported in the literature in individuals with KCNE1-related conditions. This sequence change replaces methionine with valine at codon 27 of the KCNE1 protein (p.Met27Val). The methionine residue is weakly conserved and there is a small physicochemical difference between methionine and valine.

Roden Lab, Vanderbilt University Medical Center
No classification provided (evidence only). Condition: Long QT syndrome 5. Review status: no classification provided. Collection method: in vitro. Allele origin: not applicable. Functional consequence: Effect on ion channel function. Not counted in ClinVar's aggregate classification.
ClinVar note: "not provided" was previously submitted as the classification for the variant. However, the classification appeared to be based only on an observation of functional data so it was converted to no classification on 2025-07-30.

NM_000219.6(KCNE1):c.79A>G (p.Met27Val)

Gene: KCNE1 (potassium voltage-gated channel subfamily E regulatory subunit 1; minus strand). Cytogenetic location: 21q22.12.
Variant type: single nucleotide variant.
Coding change: c.79A>G on transcript NM_000219.6 (MANE Select); coding-DNA position 79, A replaced by G.
Protein change: p.Met27Val; replaces methionine 27 with valine.
Molecular consequence: missense variant.
Genome position (GRCh38, 1-based): chr21:34,449,556, T>C on the plus strand (A>G on the coding strand, the complement: KCNE1 is on the minus strand). VCF-style: chr21-34449556-T-C. GRCh37 (hg19) VCF-style: chr21-35821854-T-C.
Other names: c.79A>G, p.Met27Val (NM_001127668.4, NM_001127669.4, NM_001127670.4 and 4 more transcripts); short protein forms M27V.
Identifiers: ClinVar variation 1058423 (VCV001058423.11), dbSNP rs755452452, ClinGen allele CA320425506.